The following is an entry in ClinVar:

NM_003907.3(EIF2B5):c.1063A>G (p.Ile355Val)

Gene: EIF2B5 (eukaryotic translation initiation factor 2B subunit epsilon; plus strand). Cytogenetic location: 3q27.1.
Variant type: single nucleotide variant.
Coding change: c.1063A>G on transcript NM_003907.3 (MANE Select); coding-DNA position 1063, A replaced by G.
Protein change: p.Ile355Val; replaces isoleucine 355 with valine.
Molecular consequence: missense variant.
Genome position (GRCh38, 1-based): chr3:184,140,637, A>G. VCF-style: chr3-184140637-A-G. GRCh37 (hg19) VCF-style: chr3-183858425-A-G.
Other names: short protein forms I355V.
Identifiers: ClinVar variation 1521692 (VCV001521692.3), dbSNP rs760637605, ClinGen allele CA2726578.

ClinVar aggregate classification (germline): Uncertain significance (1 of 4 stars; one submission).

Allele frequency attached by ClinVar (database versions not stated): ExAC 0.00001; gnomAD exomes 0.00001; TOPMed 0.00001.
gnomAD v4.1: 5 of 1,614,194 alleles (0.00031%); highest among the groups gnomAD compares: Middle Eastern, 0.016%; no homozygotes.

Submission:

Labcorp Genetics (formerly Invitae), Labcorp
Classification: Uncertain significance. Last evaluated: 2022-06-28. Review status: criteria provided, single submitter. Criteria: Invitae Variant Classification Sherloc (09022015). Collection method: clinical testing. Allele origin: germline.
Comment: This sequence change replaces isoleucine, which is neutral and non-polar, with valine, which is neutral and non-polar, at codon 355 of the EIF2B5 protein (p.Ile355Val). This variant is present in population databases (rs760637605, gnomAD 0.003%). This variant has not been reported in the literature in individuals affected with EIF2B5-related conditions. Advanced modeling of protein sequence and biophysical properties (such as structural, functional, and spatial information, amino acid conservation, physicochemical variation, residue mobility, and thermodynamic stability) performed at Invitae indicates that this missense variant is not expected to disrupt EIF2B5 protein function. In summary, the available evidence is currently insufficient to determine the role of this variant in disease. Therefore, it has been classified as a Variant of Uncertain Significance.